The following is an entry in ClinVar:

ClinVar aggregate classification (germline): Uncertain significance. Review status: criteria provided, multiple submitters, no conflicts (2 of 4 stars). 2 submissions from 2 submitters: Uncertain significance (2). Last evaluated 2025-10-01.

Submissions (2):

GeneDx
Classification: Uncertain significance. Last evaluated: 2025-10-01. Review status: criteria provided, single submitter. Criteria: GeneDx Variant Classification Process June 2021. Collection method: clinical testing. Allele origin: germline. Affected: yes.
Comment: Not observed at significant frequency in large population cohorts (gnomAD); Has not been previously published as pathogenic or benign to our knowledge; Canonical splice site variant in a gene for which loss of function is not an established mechanism of disease

Labcorp Genetics (formerly Invitae), Labcorp
Classification: Uncertain significance. Last evaluated: 2023-06-21. Review status: criteria provided, single submitter. Criteria: Invitae Variant Classification Sherloc (09022015). Collection method: clinical testing. Allele origin: germline.
Comment: Variants that disrupt the consensus splice site are a relatively common cause of aberrant splicing (PMID: 17576681, 9536098). Algorithms developed to predict the effect of sequence changes on RNA splicing suggest that this variant may disrupt the consensus splice site. In summary, the available evidence is currently insufficient to determine the role of this variant in disease. Therefore, it has been classified as a Variant of Uncertain Significance. This variant is not present in population databases (gnomAD no frequency). This sequence change falls in intron 5 of the CDC42 gene. It does not directly change the encoded amino acid sequence of the CDC42 protein. It affects a nucleotide within the consensus splice site. This variant has not been reported in the literature in individuals affected with CDC42-related conditions.

Literature cited by the submitters: PubMed 17576681 (cited by Labcorp Genetics (formerly Invitae), Labcorp); PubMed 9536098 (cited by Labcorp Genetics (formerly Invitae), Labcorp).

NM_001791.4(CDC42):c.487-2A>G

Gene: CDC42 (cell division cycle 42; plus strand). Cytogenetic location: 1p36.12.
Variant type: single nucleotide variant.
Coding change: c.487-2A>G on transcript NM_001791.4 (MANE Select); the canonical splice acceptor site of the intron before coding-DNA position 487, A replaced by G.
Molecular consequence: splice acceptor variant.
Genome position (GRCh38, 1-based): chr1:22,091,426, A>G. VCF-style: chr1-22091426-A-G. GRCh37 (hg19) VCF-style: chr1-22417919-A-G.
Other names: c.487-2A>G (NM_001039802.2).
Identifiers: ClinVar variation 2838036 (VCV002838036.4), dbSNP rs2522255675, ClinGen allele CA338909486.